The following is an entry in ClinVar:

NM_001080449.3(DNA2):c.1899G>A (p.Ala633=)

Gene: DNA2 (DNA replication helicase/nuclease 2; minus strand). Cytogenetic location: 10q21.3.
Variant type: single nucleotide variant.
Coding change: c.1899G>A on transcript NM_001080449.3 (MANE Select); coding-DNA position 1899, G replaced by A.
Protein change: p.Ala633=; no amino-acid change (alanine 633 retained).
Molecular consequence: synonymous variant. On other transcripts: non-coding transcript variant (1).
Genome position (GRCh38, 1-based): chr10:68,431,946, C>T on the plus strand (G>A on the coding strand, the complement: DNA2 is on the minus strand). VCF-style: chr10-68431946-C-T. GRCh37 (hg19) VCF-style: chr10-70191703-C-T.
Other names: p.Ala633=.
Identifiers: ClinVar variation 257341 (VCV000257341.14), dbSNP rs116704917, ClinGen allele CA5524944.

ClinVar aggregate classification (germline): Benign. Review status: criteria provided, multiple submitters, no conflicts (2 of 4 stars). 5 submissions from 5 submitters: Benign (5). Last evaluated 2026-01-28.

Allele frequency attached by ClinVar (database versions not stated): gnomAD exomes 0.00206; ExAC 0.00259; gnomAD 0.00810 and 0.00869; TOPMed 0.00892; ESP Exome Variant Server 0.00903; 1000 Genomes Project 0.01078; 1000 Genomes Project 30x 0.01265.
gnomAD v4.1: 2,456 of 1,613,280 alleles (0.15%); highest among the groups gnomAD compares: African/African-American, 2.9%; 43 homozygotes.

Submissions (5):

Labcorp Genetics (formerly Invitae), Labcorp
Classification: Benign. Last evaluated: 2026-01-28. Review status: criteria provided, single submitter. Criteria: Invitae Variant Classification Sherloc (09022015). Collection method: clinical testing. Allele origin: germline.

Mayo Clinic Laboratories, Mayo Clinic
Classification: Benign. Last evaluated: 2024-02-15. Review status: criteria provided, single submitter. Criteria: ACMG Guidelines, 2015. Collection method: clinical testing. Allele origin: germline. Observed: 6 variant alleles.
Comment: BS1, BS2

GeneDx
Classification: Benign. Last evaluated: 2016-04-25. Review status: criteria provided, single submitter. Criteria: GeneDx Variant Classification (06012015). Collection method: clinical testing. Allele origin: germline. Affected: yes.
Comment: This variant is considered likely benign or benign based on one or more of the following criteria: it is a conservative change, it occurs at a poorly conserved position in the protein, it is predicted to be benign by multiple in silico algorithms, and/or has population frequency not consistent with disease.

Breakthrough Genomics
Classification: Benign. Review status: criteria provided, single submitter. Criteria: ACMG Guidelines, 2015. Collection method: not provided. Allele origin: germline. Inheritance: Autosomal recessive inheritance. Affected: yes.

PreventionGenetics, part of Exact Sciences
Classification: Benign. Review status: criteria provided, single submitter. Criteria: ACMG Guidelines, 2015. Collection method: clinical testing. Allele origin: germline.